The following is an entry in ClinVar:

ClinVar aggregate classification (germline): Benign/Likely benign. Review status: criteria provided, multiple submitters, no conflicts (2 of 4 stars). 7 submissions from 7 submitters: Benign (1); Likely benign (6). Last evaluated 2026-01-14.

Conditions:
DSP-related disorder. Also called: DSP-related condition; DSP-related disorders.
Cardiovascular phenotype. Identifiers: MedGen CN230736.
Arrhythmogenic right ventricular dysplasia 8 (ARVD8). Also called: Arrhythmogenic Right Ventricular Dysplasia/Cardiomyopathy 8; ARRHYTHMOGENIC RIGHT VENTRICULAR DYSPLASIA, FAMILIAL, 8; ARRHYTHMOGENIC RIGHT VENTRICULAR CARDIOMYOPATHY 8. Identifiers: MedGen C1843896, MONDO:0011831, OMIM 607450.
Arrhythmogenic cardiomyopathy with wooly hair and keratoderma. Also called: Carvajal syndrome; Dilated cardiomyopathy with woolly hair and keratoderma; PALMOPLANTAR KERATODERMA WITH LEFT VENTRICULAR CARDIOMYOPATHY AND WOOLLY HAIR; Arrhythmogenic cardiomyopathy with woolly hair and keratoderma. Identifiers: Orphanet 65282, MedGen C1854063, MONDO:0011581, OMIM 605676.
Cardiomyopathy (CMYO). Also called: Cardiomyopathies. Identifiers: Orphanet 167848, MedGen C0878544, MONDO:0004994, HP:0001638. Inheritance: Various modes of inheritance.

Allele frequency attached by ClinVar (database versions not stated): gnomAD exomes 0.00006; ESP Exome Variant Server 0.00008; ExAC 0.00009; 1000 Genomes Project 30x 0.00016; 1000 Genomes Project 0.00020; gnomAD 0.00036 and 0.00039; TOPMed 0.00043.
gnomAD v4.1: 95 of 1,614,038 alleles (0.0059%); highest among the groups gnomAD compares: African/African-American, 0.12%; no homozygotes.

Submissions (7):

Labcorp Genetics (formerly Invitae), Labcorp
Classification: Likely benign for Arrhythmogenic cardiomyopathy with wooly hair and keratoderma; Arrhythmogenic right ventricular dysplasia 8. Last evaluated: 2026-01-14. Review status: criteria provided, single submitter. Criteria: Invitae Variant Classification Sherloc (09022015). Collection method: clinical testing. Allele origin: germline.

PreventionGenetics, part of Exact Sciences
Classification: Likely benign for DSP-related condition. Last evaluated: 2025-06-03. Review status: criteria provided, single submitter. Criteria: ACMG Guidelines, 2015. Collection method: clinical testing. Allele origin: germline.
Comment: This variant is classified as likely benign based on ACMG/AMP sequence variant interpretation guidelines (Richards et al. 2015 PMID: 25741868, with internal and published modifications).

Women's Health and Genetics/Laboratory Corporation of America, LabCorp
Classification: Benign. Last evaluated: 2019-09-14. Review status: criteria provided, single submitter. Criteria: LabCorp Variant Classification Summary - May 2015. Collection method: clinical testing. Allele origin: germline.

Color Diagnostics, LLC DBA Color Health
Classification: Likely benign for Cardiomyopathy. Last evaluated: 2018-11-30. Review status: criteria provided, single submitter. Criteria: ACMG Guidelines, 2015. Collection method: clinical testing. Allele origin: germline.

Ambry Genetics
Classification: Likely benign for Cardiovascular phenotype. Last evaluated: 2018-11-06. Review status: criteria provided, single submitter. Criteria: Ambry Variant Classification Scheme 2023. Collection method: clinical testing. Allele origin: germline.

GeneDx
Classification: Likely benign. Last evaluated: 2018-02-06. Review status: criteria provided, single submitter. Criteria: GeneDx Variant Classification (06012015). Collection method: clinical testing. Allele origin: germline. Affected: yes.
Comment: This variant is considered likely benign or benign based on one or more of the following criteria: it is a conservative change, it occurs at a poorly conserved position in the protein, it is predicted to be benign by multiple in silico algorithms, and/or has population frequency not consistent with disease.

Laboratory for Molecular Medicine, Mass General Brigham Personalized Medicine
Classification: Likely benign. Last evaluated: 2012-03-19. Review status: criteria provided, single submitter. Criteria: LMM Criteria. Collection method: clinical testing. Allele origin: germline. Observed: 1 variant allele.
Comment: p.Leu1500Leu in Exon 23 of DSP: This variant is not expected to have clinical si gnificance because it does not alter an amino acid residue, is not located withi n the splice consensus sequence. It has been identified in 1/3738 African Americ an chromosomes from a broad population by the NHLBI Exome Sequencing Project.

NM_004415.4(DSP):c.4500G>T (p.Leu1500=)

Gene: DSP (desmoplakin; plus strand). Cytogenetic location: 6p24.3.
Variant type: single nucleotide variant.
Coding change: c.4500G>T on transcript NM_004415.4 (MANE Select); coding-DNA position 4500, G replaced by T.
Protein change: p.Leu1500=; no amino-acid change (leucine 1500 retained).
Molecular consequence: synonymous variant. On other transcripts: intron variant (2).
Genome position (GRCh38, 1-based): chr6:7,580,690, G>T. VCF-style: chr6-7580690-G-T. GRCh37 (hg19) VCF-style: chr6-7580923-G-T.
Other names: c.4050+450G>T (NM_001319034.2); c.3582+918G>T (NM_001008844.3).
Identifiers: ClinVar variation 44911 (VCV000044911.20), dbSNP rs372881903, ClinGen allele CA004514.
Genomic context (GRCh38, chr6:7,580,690, plus strand): 5'-CAAGGAGATAGAAAGGTTAAAACAACTGATCGACAAAGAAACAAATGACCGGAAATGCCT[G>T]GAAGATGAAAACGCGAGATTACAAAGGGTCCAGTATGACCTGCAGAAAGCAAACAGTAGT-3'
Protein context (NP_004406.2, residues 1490-1510): IDKETNDRKC[Leu1500=]EDENARLQRV